The following is an entry in ClinVar:

NM_000368.5(TSC1):c.-144+7A>T

Gene: TSC1 (TSC complex subunit 1; minus strand). Cytogenetic location: 9q34.13.
Variant type: single nucleotide variant.
Coding change: c.-144+7A>T on transcript NM_000368.5 (MANE Select); 7 bases into the intron after 144 bases upstream of the start codon, A replaced by T.
Molecular consequence: intron variant.
Genome position (GRCh38, 1-based): chr9:132,944,536, T>A on the plus strand (A>T on the coding strand, the complement: TSC1 is on the minus strand). VCF-style: chr9-132944536-T-A. GRCh37 (hg19) VCF-style: chr9-135819923-T-A.
Other names: c.-403+7A>T (NM_001362177.2); c.-144+7A>T (NM_001162427.2, NM_001162426.2).
Identifiers: ClinVar variation 387205 (VCV000387205.16), dbSNP rs563924788, ClinGen allele CA16605558.

ClinVar aggregate classification (germline): Benign/Likely benign. Review status: criteria provided, multiple submitters, no conflicts (2 of 4 stars). 3 submissions from 3 submitters: Benign (1); Likely benign (2). Last evaluated 2025-07-01.

Conditions:
TSC1-related disorder. Also called: TSC1-related condition.

Allele frequency attached by ClinVar (database versions not stated): gnomAD 0.00001 and 0.00007; TOPMed 0.00003; gnomAD exomes 0.00005; 1000 Genomes Project 30x 0.00016; 1000 Genomes Project 0.00020.
gnomAD v4.1: 21 of 398,412 alleles (0.0053%); highest among the groups gnomAD compares: South Asian, 0.23%; no homozygotes.

Submissions (3):

CeGaT Center for Human Genetics Tuebingen
Classification: Benign. Last evaluated: 2025-07-01. Review status: criteria provided, single submitter. Criteria: CeGaT Center For Human Genetics Tuebingen Variant Classification Criteria Version 2. Collection method: clinical testing. Allele origin: germline. Affected: yes. Observed: 2 variant alleles.
Comment: TSC1: BS1, BS2

PreventionGenetics, part of Exact Sciences
Classification: Likely benign for TSC1-related condition. Last evaluated: 2025-04-20. Review status: criteria provided, single submitter. Criteria: ACMG Guidelines, 2015. Collection method: clinical testing. Allele origin: germline.
Comment: This variant is classified as likely benign based on ACMG/AMP sequence variant interpretation guidelines (Richards et al. 2015 PMID: 25741868, with internal and published modifications).

GeneDx
Classification: Likely benign. Last evaluated: 2017-03-21. Review status: criteria provided, single submitter. Criteria: GeneDx Variant Classification (06012015). Collection method: clinical testing. Allele origin: germline. Affected: yes.
Comment: This variant is considered likely benign or benign based on one or more of the following criteria: it is a conservative change, it occurs at a poorly conserved position in the protein, it is predicted to be benign by multiple in silico algorithms, and/or has population frequency not consistent with disease.